The following is an entry in ClinVar:

ClinVar aggregate classification (germline): Uncertain significance (1 of 4 stars; one submission).

Conditions:
Retinitis pigmentosa 12 (RP12). Also called: RP WITH OR WITHOUT PPRPE; RP WITH OR WITHOUT PRESERVED PARAARTERIOLE RETINAL PIGMENT EPITHELIUM; RETINITIS PIGMENTOSA WITH OR WITHOUT PARAARTERIOLAR PRESERVATION OF RETINAL PIGMENT EPITHELIUM. Identifiers: Orphanet 791, MedGen C1838647, MONDO:0010818, OMIM 600105.
Leber congenital amaurosis 8 (LCA8). Identifiers: Orphanet 65, MedGen C3151202, MONDO:0013453, OMIM 613835.

Submission:

Labcorp Genetics (formerly Invitae), Labcorp
Classification: Uncertain significance for Leber congenital amaurosis 8; Retinitis pigmentosa 12. Last evaluated: 2025-09-02. Review status: criteria provided, single submitter. Criteria: Invitae Variant Classification Sherloc (09022015). Collection method: clinical testing. Allele origin: germline.
Comment: This sequence change replaces threonine, which is neutral and polar, with alanine, which is neutral and non-polar, at codon 84 of the CRB1 protein (p.Thr84Ala). This variant is not present in population databases (gnomAD no frequency). This variant has not been reported in the literature in individuals affected with CRB1-related conditions. ClinVar contains an entry for this variant (Variation ID: 1006452). Invitae Evidence Modeling of protein sequence and biophysical properties (such as structural, functional, and spatial information, amino acid conservation, physicochemical variation, residue mobility, and thermodynamic stability) has been performed for this missense variant. However, the output from this modeling did not meet the statistical confidence thresholds required to predict the impact of this variant on CRB1 protein function. In summary, the available evidence is currently insufficient to determine the role of this variant in disease. Therefore, it has been classified as a Variant of Uncertain Significance.

NM_201253.3(CRB1):c.250A>G (p.Thr84Ala)

Gene: CRB1 (crumbs cell polarity complex component 1; plus strand). Cytogenetic location: 1q31.3.
Variant type: single nucleotide variant.
Coding change: c.250A>G on transcript NM_201253.3 (MANE Select); coding-DNA position 250, A replaced by G.
Protein change: p.Thr84Ala; replaces threonine 84 with alanine.
Molecular consequence: missense variant. On other transcripts: non-coding transcript variant (2).
Genome position (GRCh38, 1-based): chr1:197,328,601, A>G. VCF-style: chr1-197328601-A-G. GRCh37 (hg19) VCF-style: chr1-197297731-A-G.
Other names: c.250A>G, p.Thr84Ala (NM_001193640.2, NM_001257966.2); c.43A>G, p.Thr15Ala (NM_001257965.2); short protein forms T15A, T84A.
Identifiers: ClinVar variation 1006452 (VCV001006452.7), dbSNP rs1658661930, ClinGen allele CA344085368.